The following is an entry in ClinVar:

ClinVar aggregate classification (germline): Pathogenic. Review status: criteria provided, single submitter (1 of 4 stars). 3 submissions from 3 submitters: Pathogenic (1). 2 of the submissions do not count toward it. Last evaluated 2023-11-27.

Conditions:
Usher syndrome type 1F (USH1F). Also called: USHER SYNDROME, TYPE IF. Identifiers: Orphanet 231169, Orphanet 886, MedGen C1865885, MONDO:0011186, OMIM 602083.
PCDH15-related disorder. Also called: PCDH15-related condition; PCDH15-related disorders.

Submissions (3):

Labcorp Genetics (formerly Invitae), Labcorp
Classification: Pathogenic. Last evaluated: 2023-11-27. Review status: criteria provided, single submitter. Criteria: Invitae Variant Classification Sherloc (09022015). Collection method: clinical testing. Allele origin: germline.
Comment: This sequence change creates a premature translational stop signal (p.Glu543Argfs*31) in the PCDH15 gene. It is expected to result in an absent or disrupted protein product. Loss-of-function variants in PCDH15 are known to be pathogenic (PMID: 11398101, 11487575, 14570705). This variant is not present in population databases (gnomAD no frequency). This variant has not been reported in the literature in individuals affected with PCDH15-related conditions. ClinVar contains an entry for this variant (Variation ID: 370952). For these reasons, this variant has been classified as Pathogenic.

PreventionGenetics, part of Exact Sciences
Classification: Likely pathogenic for PCDH15-related condition. Last evaluated: 2024-08-29. Review status: no assertion criteria provided. Collection method: clinical testing. Allele origin: germline. Not counted in ClinVar's aggregate classification.
Comment: The PCDH15 c.1627delG variant is predicted to result in a frameshift and premature protein termination (p.Glu543Argfs*31). To our knowledge, this variant has not been reported in the literature or in a large population database, indicating this variant is rare. Frameshift variants in PCDH15 are expected to be pathogenic. This variant is interpreted as likely pathogenic.

Counsyl
Classification: Likely pathogenic for Usher syndrome type 1F. Last evaluated: 2016-05-24. Review status: no assertion criteria provided. Collection method: clinical testing. Allele origin: unknown. Not counted in ClinVar's aggregate classification.

Literature cited by the submitters: PubMed 11398101 (cited by Labcorp Genetics (formerly Invitae), Labcorp); PubMed 11487575 (cited by Labcorp Genetics (formerly Invitae), Labcorp); PubMed 14570705 (cited by Labcorp Genetics (formerly Invitae), Labcorp).

NM_001384140.1(PCDH15):c.1627del (p.Glu543fs)

Gene: PCDH15 (protocadherin related 15; minus strand). Cytogenetic location: 10q21.1.
Variant type: Deletion.
Coding change: c.1627del on transcript NM_001384140.1 (MANE Select); coding-DNA position 1627, one base deleted (G; older notation c.1627delG).
Protein change: p.Glu543fs; shifts the reading frame from glutamic acid 543.
Molecular consequence: frameshift variant.
Genome position (GRCh38, 1-based): chr10:54,153,257, C deleted on the plus strand (G on the coding strand, the reverse complement: PCDH15 is on the minus strand); the first of 4 consecutive C bases (chr10:54,153,257-54,153,260); deleting any one gives the same sequence. VCF-style (leftmost placement, unchanged base first): chr10-54153256-TC-T. GRCh37 (hg19) VCF-style: chr10-55913016-TC-T.
Other names: c.1642del, p.Glu548fs (NM_001142763.2, NM_001142771.2); c.1627del, p.Glu543fs (NM_001142764.2, NM_001142765.2, NM_001142766.2 and 6 more transcripts); c.1516del, p.Glu506fs (NM_001142767.2); c.1561del, p.Glu521fs (NM_001142768.2, NM_001142773.2, NM_001354404.2); c.1660delG, p.Glu555Argfs (NM_001142769.4); c.1648del, p.Glu550fs (NM_001354411.2); c.1627del (NM_033056.3); short protein forms E555fs, E543fs, E548fs, E550fs, E506fs, E521fs.
Identifiers: ClinVar variation 370952 (VCV000370952.11), dbSNP rs1057516892, ClinGen allele CA16041374.